The following is an entry in ClinVar:

ClinVar aggregate classification (germline): Uncertain significance (1 of 4 stars; one submission).

Conditions:
Acrocallosal syndrome (ACLS). Also called: HALLUX DUPLICATION, POSTAXIAL POLYDACTYLY, AND ABSENCE OF CORPUS CALLOSUM; Schinzel syndrome 1; Absence of corpus callosum with unusual facial appearance, mental deficiency, duplication of the halluces and polydactyly. Identifiers: Orphanet 36, MedGen C0796147, MONDO:0008708, OMIM 200990.

Allele frequency attached by ClinVar (database versions not stated): gnomAD 0.00001; gnomAD exomes 0.00001 and 0.00003; ExAC 0.00003.
gnomAD v4.1: 9 of 1,610,108 alleles (0.00056%); highest among the groups gnomAD compares: Admixed American, 0.013%; no homozygotes.

Submission:

Labcorp Genetics (formerly Invitae), Labcorp
Classification: Uncertain significance for Acrocallosal syndrome. Last evaluated: 2022-06-02. Review status: criteria provided, single submitter. Criteria: Invitae Variant Classification Sherloc (09022015). Collection method: clinical testing. Allele origin: germline.
Comment: This sequence change replaces valine, which is neutral and non-polar, with glycine, which is neutral and non-polar, at codon 790 of the KIF7 protein (p.Val790Gly). This variant is present in population databases (rs759322369, gnomAD 0.02%). This variant has not been reported in the literature in individuals affected with KIF7-related conditions. ClinVar contains an entry for this variant (Variation ID: 1428235). Algorithms developed to predict the effect of missense changes on protein structure and function are either unavailable or do not agree on the potential impact of this missense change (SIFT: "Deleterious"; PolyPhen-2: "Probably Damaging"; Align-GVGD: "Class C0"). In summary, the available evidence is currently insufficient to determine the role of this variant in disease. Therefore, it has been classified as a Variant of Uncertain Significance.

NM_198525.3(KIF7):c.2369T>G (p.Val790Gly)

Gene: KIF7 (kinesin family member 7; minus strand). Cytogenetic location: 15q26.1.
Variant type: single nucleotide variant.
Coding change: c.2369T>G on transcript NM_198525.3 (MANE Select); coding-DNA position 2369, T replaced by G.
Protein change: p.Val790Gly; replaces valine 790 with glycine.
Molecular consequence: missense variant.
Genome position (GRCh38, 1-based): chr15:89,642,228, A>C on the plus strand (T>G on the coding strand, the complement: KIF7 is on the minus strand). VCF-style: chr15-89642228-A-C. GRCh37 (hg19) VCF-style: chr15-90185459-A-C.
Other names: short protein forms V790G.
Identifiers: ClinVar variation 1428235 (VCV001428235.3), dbSNP rs759322369, ClinGen allele CA7728218.
Genomic context (GRCh38, chr15:89,642,228, plus strand): 5'-ACCCCAGCACCCCACCCTGAGGCCCCGAGACTAACCTGCACCTGGCTCTGGGCCGCAGCG[A>C]CCCTCCTGCGGAACTCCTGGAGCCGAGACCGCTCGCCAGCATCCTGGAGCTCCTTGCCCT-3'
Protein context (NP_940927.2, residues 780-800): RSRLQEFRRR[Val790Gly]AAAQSQVQVL